The following is an entry in ClinVar:

GRCh38/hg38 6q22.31(chr6:123577241-123767924)x1

Genes: TRDN (triadin; minus strand), LOC129389633 (MPRA-validated peak6091 silencer; plus strand), LOC129389634 (MPRA-validated peak6092 silencer; plus strand). Cytogenetic location: 6q22.31.
Variant type: copy number loss.
Change: copy number 1 (one copy instead of two) of chr6:123,577,241-123,767,924 (190.7 kb, GRCh38 coordinates, 1-based), cytogenetic band 6q22.31.
Identifiers: ClinVar variation 4796104 (VCV004796104.1).

ClinVar aggregate classification (germline): Uncertain significance (1 of 4 stars; one submission).

Submission:

Medical Genetic Center, Changzhi Maternal and Child Health Care Hospital
Classification: Uncertain significance. Last evaluated: 2025-12-10. Review status: criteria provided, single submitter. Criteria: ACMG/ClinGen CNV Guidelines, 2019. Collection method: clinical testing. Allele origin: unknown.